The following is an entry in ClinVar:

ClinVar aggregate classification (germline): Pathogenic (1 of 4 stars; one submission).

Conditions:
Holocarboxylase synthetase deficiency. Also called: MULTIPLE CARBOXYLASE DEFICIENCY, EARLY ONSET. Identifiers: Orphanet 79242, MedGen C0268581, MONDO:0009666, OMIM 253270.

Submission:

Myriad Genetics, Inc.
Classification: Pathogenic for Holocarboxylase synthetase deficiency. Last evaluated: 2023-09-27. Review status: criteria provided, single submitter. Criteria: Myriad Autosomal Dominant, Autosomal Recessive and X-Linked Classification Criteria (2023). Collection method: clinical testing. Allele origin: unknown.
Comment: NM_000411.6(HLCS):c.987dupT(L330Sfs*22) is expected to be pathogenic in the context of holocarboxylase synthetase deficiency. This variant is predicted to lead to an abnormal or absent protein product due to the creation of a premature termination codon in HLCS, a gene where loss-of-function variants are known to be pathogenic. Please note: this variant was assessed in the context of healthy population screening.

NM_001352514.2(HLCS):c.1428dup (p.Leu477fs)

Gene: HLCS (holocarboxylase synthetase; minus strand). Cytogenetic location: 21q22.13.
Variant type: Duplication.
Coding change: c.1428dup on transcript NM_001352514.2 (MANE Select); coding-DNA position 1428, one base duplicated (T; older notation c.1428dupT).
Protein change: p.Leu477fs; shifts the reading frame from leucine 477.
Molecular consequence: frameshift variant. On other transcripts: non-coding transcript variant (2).
Genome position (GRCh38, 1-based): chr21:36,936,458, A duplicated on the plus strand (T on the coding strand, the reverse complement: HLCS is on the minus strand); the first of 2 consecutive A bases (chr21:36,936,458-36,936,459); duplicating either gives the same sequence. VCF-style (leftmost placement, unchanged base first): chr21-36936457-G-GA. GRCh37 (hg19) VCF-style: chr21-38308757-G-GA.
Other names: c.987dup, p.Leu330fs (NM_000411.8, NM_001242784.3, NM_001242785.2 and 4 more transcripts); short protein forms L330fs, L477fs.
Identifiers: ClinVar variation 5012084 (VCV005012084.1).